The following is an entry in ClinVar:

NM_014639.4(SKIC3):c.3989C>T (p.Ser1330Leu)

Gene: SKIC3 (SKI3 subunit of superkiller complex; minus strand). Cytogenetic location: 5q15.
Variant type: single nucleotide variant.
Coding change: c.3989C>T on transcript NM_014639.4 (MANE Select); coding-DNA position 3989, C replaced by T.
Protein change: p.Ser1330Leu; replaces serine 1330 with leucine.
Molecular consequence: missense variant.
Genome position (GRCh38, 1-based): chr5:95,484,788, G>A on the plus strand (C>T on the coding strand, the complement: SKIC3 is on the minus strand). VCF-style: chr5-95484788-G-A. GRCh37 (hg19) VCF-style: chr5-94820492-G-A.
Other names: c.3989C>T (NM_014639.3); short protein forms S1330L.
Identifiers: ClinVar variation 1437240 (VCV001437240.4), dbSNP rs1201699164, ClinGen allele CA360445545.

ClinVar aggregate classification (germline): Uncertain significance. Review status: criteria provided, multiple submitters, no conflicts (2 of 4 stars). 2 submissions from 2 submitters: Uncertain significance (2). Last evaluated 2023-03-06.

Conditions:
Inborn genetic diseases. Identifiers: MedGen C0950123, MeSH D030342.

Allele frequency attached by ClinVar (database versions not stated): gnomAD 0.00001; gnomAD exomes 0.00001; TOPMed 0.00001.
gnomAD v4.1: 20 of 1,614,020 alleles (0.0012%); highest among the groups gnomAD compares: Admixed American, 0.0017%; no homozygotes.

Submissions (2):

Ambry Genetics
Classification: Uncertain significance for Inborn genetic diseases. Last evaluated: 2023-03-06. Review status: criteria provided, single submitter. Criteria: Ambry Variant Classification Scheme 2023. Collection method: clinical testing. Allele origin: germline.

Labcorp Genetics (formerly Invitae), Labcorp
Classification: Uncertain significance. Last evaluated: 2022-05-25. Review status: criteria provided, single submitter. Criteria: Invitae Variant Classification Sherloc (09022015). Collection method: clinical testing. Allele origin: germline.
Comment: This sequence change replaces serine, which is neutral and polar, with leucine, which is neutral and non-polar, at codon 1330 of the TTC37 protein (p.Ser1330Leu). This variant is not present in population databases (gnomAD no frequency). This variant has not been reported in the literature in individuals affected with TTC37-related conditions. Algorithms developed to predict the effect of missense changes on protein structure and function (SIFT, PolyPhen-2, Align-GVGD) all suggest that this variant is likely to be tolerated. In summary, the available evidence is currently insufficient to determine the role of this variant in disease. Therefore, it has been classified as a Variant of Uncertain Significance.